The following is an entry in ClinVar:

ClinVar aggregate classification (germline): Uncertain significance. Review status: criteria provided, multiple submitters, no conflicts (2 of 4 stars). 2 submissions from 2 submitters: Uncertain significance (2). Last evaluated 2025-12-04.

Allele frequency attached by ClinVar (database versions not stated): gnomAD 0.00001; TOPMed 0.00001; ExAC 0.00002; gnomAD exomes 0.00002.
gnomAD v4.1: 37 of 1,613,006 alleles (0.0023%); highest among the groups gnomAD compares: East Asian, 0.0067%; no homozygotes.

Submissions (2):

Ambry Genetics
Classification: Uncertain significance. Last evaluated: 2025-12-04. Review status: criteria provided, single submitter. Criteria: Ambry Variant Classification Scheme 2023. Collection method: clinical testing. Allele origin: germline.

Labcorp Genetics (formerly Invitae), Labcorp
Classification: Uncertain significance. Last evaluated: 2023-09-05. Review status: criteria provided, single submitter. Criteria: Invitae Variant Classification Sherloc (09022015). Collection method: clinical testing. Allele origin: germline.
Comment: In summary, the available evidence is currently insufficient to determine the role of this variant in disease. Therefore, it has been classified as a Variant of Uncertain Significance. An algorithm developed to predict the effect of missense changes on protein structure and function (PolyPhen-2) suggests that this variant is likely to be disruptive. This variant has not been reported in the literature in individuals affected with DGKZ-related conditions. This variant is present in population databases (rs764807844, gnomAD 0.01%). This sequence change replaces arginine, which is basic and polar, with tryptophan, which is neutral and slightly polar, at codon 273 of the DGKZ protein (p.Arg273Trp).

NM_001199267.2(DGKZ):c.250C>T (p.Arg84Trp)

Gene: DGKZ (diacylglycerol kinase zeta; plus strand). Cytogenetic location: 11p11.2.
Variant type: single nucleotide variant.
Coding change: c.250C>T on transcript NM_001199267.2 (MANE Select); coding-DNA position 250, C replaced by T.
Protein change: p.Arg84Trp; replaces arginine 84 with tryptophan.
Molecular consequence: missense variant.
Genome position (GRCh38, 1-based): chr11:46,367,379, C>T. VCF-style: chr11-46367379-C-T. GRCh37 (hg19) VCF-style: chr11-46388929-C-T.
Other names: c.817C>T (NM_001105540.1); c.817C>T, p.Arg273Trp (NM_001105540.2); c.250C>T, p.Arg84Trp (NM_001199266.2, NM_001199268.2, NM_003646.4); c.301C>T, p.Arg101Trp (NM_201532.3); c.265C>T, p.Arg89Trp (NM_201533.3); short protein forms R101W, R273W, R89W, R84W.
Identifiers: ClinVar variation 2889444 (VCV002889444.4), dbSNP rs764807844, ClinGen allele CA5962269.